The following is an entry in ClinVar:

ClinVar aggregate classification (germline): Likely benign (1 of 4 stars; one submission).

Submission:

GeneDx
Classification: Likely benign. Last evaluated: 2021-05-20. Review status: criteria provided, single submitter. Criteria: GeneDx Variant Classification Process June 2021. Collection method: clinical testing. Allele origin: germline. Affected: yes.
Comment: See Variant Classification Assertion Criteria.

NM_153614.4(DNAJB13):c.335-65GC[7]

Gene: DNAJB13 (DnaJ heat shock protein family (Hsp40) member B13; plus strand). Cytogenetic location: 11q13.4.
Variant type: Microsatellite.
Coding change: c.335-65GC[7] on transcript NM_153614.4 (MANE Select); seven copies in a row of the 2-base unit GC starting at c.335-65; the reference has six copies in a row; one copy, 2 bases duplicated.
Molecular consequence: intron variant.
Genome position (GRCh38, 1-based): chr11:73,964,823-73,964,824, GC duplicated; duplicating any 2 consecutive bases within chr11:73,964,813-73,964,824 gives the same sequence; the position shown is the placement nearest the transcript's 3' end. VCF-style (leftmost placement, unchanged base first): chr11-73964812-T-TGC. GRCh37 (hg19) VCF-style: chr11-73675857-T-TGC.
Other names: c.161-65GC[7] (NM_001377263.1).
Identifiers: ClinVar variation 1723089 (VCV001723089.2), dbSNP rs1350955423, ClinGen allele CA600245014.